The following is an entry in ClinVar:

ClinVar aggregate classification (germline): Likely pathogenic (1 of 4 stars; one submission).

Submission:

Labcorp Genetics (formerly Invitae), Labcorp
Classification: Likely pathogenic. Last evaluated: 2026-01-06. Review status: criteria provided, single submitter. Criteria: Invitae Variant Classification Sherloc (09022015). Collection method: clinical testing. Allele origin: germline.
Comment: This sequence change replaces cysteine, which is neutral and slightly polar, with arginine, which is basic and polar, at codon 126 of the NDP protein (p.Cys126Arg). This variant is not present in population databases (gnomAD no frequency). This missense change has been observed in individuals with exudative vitreoretinopathy (PMID: 27217716, 30474316; internal data). Invitae Evidence Modeling of protein sequence and biophysical properties (such as structural, functional, and spatial information, amino acid conservation, physicochemical variation, residue mobility, and thermodynamic stability) has been performed for this missense variant. However, the output from this modeling did not meet the statistical confidence thresholds required to predict the impact of this variant on NDP protein function. This variant disrupts the p.Cys126 amino acid residue in NDP. Other variant(s) that disrupt this residue have been observed in individuals with NDP-related conditions (PMID: 8741107, 32420371), which suggests that this may be a clinically significant amino acid residue. In summary, the currently available evidence indicates that the variant is pathogenic, but additional data are needed to prove that conclusively. Therefore, this variant has been classified as Likely Pathogenic.

Literature cited by the submitters: PubMed 27217716; PubMed 30474316; PubMed 8741107; PubMed 32420371.

NM_000266.4(NDP):c.376T>C (p.Cys126Arg)

Genes: NDP (norrin cystine knot growth factor NDP; minus strand), NDP-AS1 (NDP antisense RNA 1; plus strand). Cytogenetic location: Xp11.3.
Variant type: single nucleotide variant.
Coding change: c.376T>C on transcript NM_000266.4 (MANE Select); coding-DNA position 376, T replaced by C.
Protein change: p.Cys126Arg; replaces cysteine 126 with arginine.
Molecular consequence: missense variant. On other transcripts: non-coding transcript variant (1).
Genome position (GRCh38, 1-based): chrX:43,949,825, A>G on the plus strand (T>C on the coding strand, the complement: NDP is on the minus strand). VCF-style: chrX-43949825-A-G. GRCh37 (hg19) VCF-style: chrX-43809071-A-G.
Other names: short protein forms C126R.
Identifiers: ClinVar variation 4710739 (VCV004710739.1).